The following is an entry in ClinVar:

ClinVar aggregate classification (germline): Uncertain significance. Review status: criteria provided, multiple submitters, no conflicts (2 of 4 stars). 2 submissions from 2 submitters: Uncertain significance (2). Last evaluated 2026-07-07.

Conditions:
Hereditary cancer-predisposing syndrome. Also called: Hereditary Cancer Syndrome; Tumor predisposition; Neoplastic Syndromes, Hereditary; Hereditary neoplastic syndrome. Identifiers: Orphanet 140162, MedGen C0027672, MeSH D009386, MONDO:0015356.
Familial cancer of breast. Also called: Hereditary breast cancer; BREAST CANCER, FAMILIAL; hereditary breast carcinoma. Identifiers: Orphanet 227535, MedGen C0346153, MONDO:0016419, OMIM 114480. Disease mechanism: loss of function.

Submissions (2):

Ambry Genetics
Classification: Uncertain significance for Hereditary cancer-predisposing syndrome. Last evaluated: 2026-07-07. Review status: criteria provided, single submitter. Criteria: Ambry Variant Classification Scheme 2023. Collection method: clinical testing. Allele origin: germline.
Comment: The p.S867C variant (also known as c.2600C>G), located in coding exon 7 of the PALB2 gene, results from a C to G substitution at nucleotide position 2600. The serine at codon 867 is replaced by cysteine, an amino acid with dissimilar properties. This amino acid position is conserved. In addition, this alteration is predicted to be tolerated by in silico analysis. Based on the available evidence, the clinical significance of this variant remains unclear.

Labcorp Genetics (formerly Invitae), Labcorp
Classification: Uncertain significance for Familial cancer of breast. Last evaluated: 2025-05-17. Review status: criteria provided, single submitter. Criteria: Invitae Variant Classification Sherloc (09022015). Collection method: clinical testing. Allele origin: germline.
Comment: This sequence change replaces serine, which is neutral and polar, with cysteine, which is neutral and slightly polar, at codon 867 of the PALB2 protein (p.Ser867Cys). This variant is not present in population databases (gnomAD no frequency). This variant has not been reported in the literature in individuals affected with PALB2-related conditions. ClinVar contains an entry for this variant (Variation ID: 1447606). Invitae Evidence Modeling of protein sequence and biophysical properties (such as structural, functional, and spatial information, amino acid conservation, physicochemical variation, residue mobility, and thermodynamic stability) indicates that this missense variant is expected to disrupt PALB2 protein function with a positive predictive value of 80%. In summary, the available evidence is currently insufficient to determine the role of this variant in disease. Therefore, it has been classified as a Variant of Uncertain Significance.

NM_024675.4(PALB2):c.2600C>G (p.Ser867Cys)

Gene: PALB2 (partner and localizer of BRCA2; minus strand). Cytogenetic location: 16p12.2.
Variant type: single nucleotide variant.
Coding change: c.2600C>G on transcript NM_024675.4 (MANE Select); coding-DNA position 2600, C replaced by G.
Protein change: p.Ser867Cys; replaces serine 867 with cysteine.
Molecular consequence: missense variant.
Genome position (GRCh38, 1-based): chr16:23,626,384, G>C on the plus strand (C>G on the coding strand, the complement: PALB2 is on the minus strand). VCF-style: chr16-23626384-G-C. GRCh37 (hg19) VCF-style: chr16-23637705-G-C.
Other names: c.2600C>G (NM_024675.3); short protein forms S867C.
Identifiers: ClinVar variation 1447606 (VCV001447606.10), dbSNP rs2142356460, ClinGen allele CA395122243.
Genomic context (GRCh38, chr16:23,626,384, plus strand): 5'-ATACATGGCTCTTTACAACCGGCTCTTTCCCAAAACATGGCACTCACATCTACGGAACAG[G>C]AACCTGAAGGATTCTGACACAATGGCAACAGTTCTGTTAAAGTGGCACTCGAGTGCTGTT-3'
Protein context (NP_078951.2, residues 857-877): LVSELKNPSG[Ser867Cys]CSVDVSAMFW